The following is an entry in ClinVar:

ClinVar aggregate classification (germline): Uncertain significance (1 of 4 stars; one submission).

Allele frequency attached by ClinVar (database versions not stated): ExAC 0.00006; gnomAD exomes 0.00013; ESP Exome Variant Server 0.00015; TOPMed 0.00017; gnomAD 0.00025 and 0.00026.
gnomAD v4.1: 193 of 1,613,542 alleles (0.012%); highest among the groups gnomAD compares: Admixed American, 0.08%; no homozygotes.

Submission:

Labcorp Genetics (formerly Invitae), Labcorp
Classification: Uncertain significance. Last evaluated: 2021-10-13. Review status: criteria provided, single submitter. Criteria: Invitae Variant Classification Sherloc (09022015). Collection method: clinical testing. Allele origin: germline.
Comment: This sequence change replaces valine with methionine at codon 595 of the RFX6 protein (p.Val595Met). The valine residue is moderately conserved and there is a small physicochemical difference between valine and methionine. This variant is present in population databases (rs143311250, ExAC 0.009%). This variant has not been reported in the literature in individuals affected with RFX6-related conditions. Algorithms developed to predict the effect of missense changes on protein structure and function output the following: SIFT: "Deleterious"; PolyPhen-2: "Benign"; Align-GVGD: "Class C0". The methionine amino acid residue is found in multiple mammalian species, which suggests that this missense change does not adversely affect protein function. In summary, the available evidence is currently insufficient to determine the role of this variant in disease. Therefore, it has been classified as a Variant of Uncertain Significance.

NM_173560.4(RFX6):c.1783G>A (p.Val595Met)

Genes: RFX6 (regulatory factor X6; plus strand), LOC126859771 (BRD4-independent group 4 enhancer GRCh37_chr6:117246147-117247346; plus strand). Cytogenetic location: 6q22.1.
Variant type: single nucleotide variant.
Coding change: c.1783G>A on transcript NM_173560.4 (MANE Select); coding-DNA position 1783, G replaced by A.
Protein change: p.Val595Met; replaces valine 595 with methionine.
Molecular consequence: missense variant.
Genome position (GRCh38, 1-based): chr6:116,925,557, G>A. VCF-style: chr6-116925557-G-A. GRCh37 (hg19) VCF-style: chr6-117246720-G-A.
Other names: short protein forms V595M.
Identifiers: ClinVar variation 1387018 (VCV001387018.3), dbSNP rs143311250, ClinGen allele CA3973406.